The following is an entry in ClinVar:

NM_024422.6(DSC2):c.959del (p.Gln320fs)

Gene: DSC2 (desmocollin 2; minus strand). Cytogenetic location: 18q12.1.
Variant type: Deletion.
Coding change: c.959del on transcript NM_024422.6 (MANE Select); coding-DNA position 959, one base deleted (A; older notation c.959delA).
Protein change: p.Gln320fs; shifts the reading frame from glutamine 320.
Molecular consequence: frameshift variant.
Genome position (GRCh38, 1-based): chr18:31,083,044, T deleted on the plus strand (A on the coding strand, the reverse complement: DSC2 is on the minus strand). VCF-style (leftmost placement, unchanged base first): chr18-31083043-CT-C. GRCh37 (hg19) VCF-style: chr18-28663009-CT-C.
Other names: c.959del, p.Gln320fs (NM_004949.5); short protein forms Q320fs.
Identifiers: ClinVar variation 923565 (VCV000923565.6), dbSNP rs1987282253, ClinGen allele CA16616736.
Genomic context (GRCh38, chr18:31,083,043, plus strand): 5'-AGTTGAAGTTGTCTGTAGACCAAAATACTGACCATCCATGTCTTGTACTTTTATTTTCAA[CT>C]GGTACTTGTCAATTAACTGAAAACAAAAAAAGAATTTAATTATTGGGGGAAAGCACCAAC-3'

ClinVar aggregate classification (germline): Uncertain significance. Review status: criteria provided, multiple submitters, no conflicts (2 of 4 stars). 2 submissions from 2 submitters: Uncertain significance (2). Last evaluated 2023-05-31.

Conditions:
Arrhythmogenic right ventricular cardiomyopathy (ARVD). Also called: Arrhythmogenic cardiomyopathy; Cardiomyopathy, ARVC; Arrhythmogenic right ventricular dysplasia; Arrhythmogenic Right Ventricular Cardiomyopathy (ARVC). Identifiers: Orphanet 247, MedGen C0349788, MeSH D019571, MONDO:0016587. Disease mechanism: loss of function. Inheritance: Various modes of inheritance.
Cardiomyopathy (CMYO). Also called: Cardiomyopathies. Identifiers: Orphanet 167848, MedGen C0878544, MONDO:0004994, HP:0001638. Inheritance: Various modes of inheritance.

Allele frequency attached by ClinVar (database versions not stated): gnomAD exomes below 0.00001.

Submissions (2):

Color Diagnostics, LLC DBA Color Health
Classification: Uncertain significance for Cardiomyopathy. Last evaluated: 2023-05-31. Review status: criteria provided, single submitter. Criteria: ACMG Guidelines, 2015. Collection method: clinical testing. Allele origin: germline.
Comment: This variant deletes 1 nucleotide in exon 8 of the DSC2 gene, creating a frameshift and premature translation stop signal. This variant is expected to result in an absent or non-functional protein product. To our knowledge, this variant has not been reported in individuals affected with DSC2-related disorders in the literature. This variant has not been identified in the general population by the Genome Aggregation Database (gnomAD). Truncations and other loss-of-function variants in the DSC2 gene have been reported in individuals with arrhythmogenic right ventricular cardiomyopathy. However, clinical significance of these variants in autosomal dominant arrhythmogenic right ventricular cardiomyopathy is not yet fully understood. The available evidence is insufficient to determine the role of this variant in disease conclusively. Therefore, this variant is classified as a Variant of Uncertain Significance.

Laboratory for Molecular Medicine, Mass General Brigham Personalized Medicine
Classification: Uncertain significance for Arrhythmogenic right ventricular cardiomyopathy. Last evaluated: 2019-06-18. Review status: criteria provided, single submitter. Criteria: ACMG Guidelines, 2015. Collection method: clinical testing. Allele origin: germline.
Comment: The p.Gln320ArgfsX2 variant in DSC2 has not been previously reported in individuals with cardiomyopathy and was absent from large population studies. This variant is predicted to cause a frameshift, which alters the protein’s amino acid sequence beginning at position 320 and leads to a premature termination codon 2 amino acids downstream. This alteration is then predicted to lead to a truncated or absent protein. In summary, while there is some suspicion for a pathogenic role, the clinical significance of this variant is uncertain. ACMG/AMP Criteria applied: PM2, PVS1_Moderate.